The following is an entry in ClinVar:

NM_024675.4(PALB2):c.1863T>C (p.Pro621=)

Gene: PALB2 (partner and localizer of BRCA2; minus strand). Cytogenetic location: 16p12.2.
Variant type: single nucleotide variant.
Coding change: c.1863T>C on transcript NM_024675.4 (MANE Select); coding-DNA position 1863, T replaced by C.
Protein change: p.Pro621=; no amino-acid change (proline 621 retained).
Molecular consequence: synonymous variant.
Genome position (GRCh38, 1-based): chr16:23,630,291, A>G on the plus strand (T>C on the coding strand, the complement: PALB2 is on the minus strand). VCF-style: chr16-23630291-A-G. GRCh37 (hg19) VCF-style: chr16-23641612-A-G.
Identifiers: ClinVar variation 136130 (VCV000136130.20), dbSNP rs587780819, ClinGen allele CA332970.
Genomic context (GRCh38, chr16:23,630,291, plus strand): 5'-TTTTGACTCAAAGGGCTCCACTGGTTTTTCTGAGCAGGACTTCACTTTTTCAAGCTTAAG[A>G]GGTCCAAAGTCTTCATCAGGTAACTGAAAGTCTGTGATACTGAGAAAAGACAGTAGTTGC-3'
Protein context (NP_078951.2, residues 611-631): DFQLPDEDFG[Pro621=]LKLEKVKSCS

ClinVar aggregate classification (germline): Benign/Likely benign. Review status: criteria provided, multiple submitters, no conflicts (2 of 4 stars). 5 submissions from 5 submitters: Benign (1); Likely benign (4). Last evaluated 2025-02-26.

Conditions:
Hereditary cancer-predisposing syndrome. Also called: Tumor predisposition; Hereditary neoplastic syndrome; Neoplastic Syndromes, Hereditary; Hereditary Cancer Syndrome. Identifiers: Orphanet 140162, MedGen C0027672, MeSH D009386, MONDO:0015356.
Familial cancer of breast. Also called: BREAST CANCER, FAMILIAL; hereditary breast carcinoma; Hereditary breast cancer. Identifiers: Orphanet 227535, MedGen C0346153, MONDO:0016419, OMIM 114480. Disease mechanism: loss of function.

Allele frequency attached by ClinVar (database versions not stated): gnomAD exomes below 0.00001.

Submissions (5):

Labcorp Genetics (formerly Invitae), Labcorp
Classification: Likely benign for Familial cancer of breast. Last evaluated: 2025-02-26. Review status: criteria provided, single submitter. Criteria: Invitae Variant Classification Sherloc (09022015). Collection method: clinical testing. Allele origin: germline.

Myriad Genetics, Inc.
Classification: Benign for Familial cancer of breast. Last evaluated: 2025-01-14. Review status: criteria provided, single submitter. Criteria: Myriad Autosomal Dominant, Autosomal Recessive and X-Linked Classification Criteria (2023). Collection method: clinical testing. Allele origin: unknown.
Comment: This variant is considered benign. This variant is a silent/synonymous amino acid change and it is not expected to impact splicing.

GeneDx
Classification: Likely benign. Last evaluated: 2017-12-29. Review status: criteria provided, single submitter. Criteria: GeneDx Variant Classification (06012015). Collection method: clinical testing. Allele origin: germline. Affected: yes.
Comment: This variant is considered likely benign or benign based on one or more of the following criteria: it is a conservative change, it occurs at a poorly conserved position in the protein, it is predicted to be benign by multiple in silico algorithms, and/or has population frequency not consistent with disease.

Color Diagnostics, LLC DBA Color Health
Classification: Likely benign for Hereditary cancer-predisposing syndrome. Last evaluated: 2017-08-23. Review status: criteria provided, single submitter. Criteria: ACMG Guidelines, 2015. Collection method: clinical testing. Allele origin: germline.

Ambry Genetics
Classification: Likely benign for Hereditary cancer-predisposing syndrome. Last evaluated: 2016-08-18. Review status: criteria provided, single submitter. Criteria: Ambry Variant Classification Scheme 2023. Collection method: clinical testing. Allele origin: germline.